The following is an entry in ClinVar:

NM_053025.4(MYLK):c.4960C>T (p.Leu1654=)

Gene: MYLK (myosin light chain kinase; minus strand). Cytogenetic location: 3q21.1.
Variant type: single nucleotide variant.
Coding change: c.4960C>T on transcript NM_053025.4 (MANE Select); coding-DNA position 4960, C replaced by T.
Protein change: p.Leu1654=; no amino-acid change (leucine 1654 retained).
Molecular consequence: synonymous variant.
Genome position (GRCh38, 1-based): chr3:123,638,072, G>A on the plus strand (C>T on the coding strand, the complement: MYLK is on the minus strand). VCF-style: chr3-123638072-G-A. GRCh37 (hg19) VCF-style: chr3-123356919-G-A.
Other names: c.4432C>T, p.Leu1478= (NM_001321309.2); c.4753C>T, p.Leu1585= (NM_053026.4, NM_053028.4); c.4960C>T, p.Leu1654= (NM_053027.4).
Identifiers: ClinVar variation 2567249 (VCV002567249.5), dbSNP rs1219266312, ClinGen allele CA435298023.

ClinVar aggregate classification (germline): Conflicting classifications of pathogenicity. Review status: criteria provided, conflicting classifications (1 of 4 stars). 2 submissions from 2 submitters: Uncertain significance (1); Likely benign (1). Last evaluated 2025-08-25.

Conditions:
Aortic aneurysm, familial thoracic 7 (AAT7). Also called: AORTIC DISSECTION, FAMILIAL, WITH OR WITHOUT AORTIC ANEURYSM. Identifiers: MedGen C3151077, MONDO:0013418, OMIM 613780.
Familial thoracic aortic aneurysm and aortic dissection (TAAD). Also called: Thoracic aortic aneurysms and dissections. Identifiers: Orphanet 91387, MedGen C4707243, MONDO:0019625.

Allele frequency attached by ClinVar (database versions not stated): gnomAD 0.00001; TOPMed 0.00001.
gnomAD v4.1: 1 of 1,613,928 alleles (0.000062%); highest among the groups gnomAD compares: African/African-American, 0.0013%; no homozygotes.

Submissions (2):

Labcorp Genetics (formerly Invitae), Labcorp
Classification: Uncertain significance for Aortic aneurysm, familial thoracic 7. Last evaluated: 2025-08-25. Review status: criteria provided, single submitter. Criteria: Invitae Variant Classification Sherloc (09022015). Collection method: clinical testing. Allele origin: germline.
Comment: This sequence change affects codon 1654 of the MYLK mRNA. It is a 'silent' change, meaning that it does not change the encoded amino acid sequence of the MYLK protein. It affects a nucleotide within the consensus splice site. This variant is not present in population databases (gnomAD no frequency). This variant has not been reported in the literature in individuals affected with MYLK-related conditions. ClinVar contains an entry for this variant (Variation ID: 2567249). Algorithms developed to predict the effect of sequence changes on RNA splicing suggest that this variant is not likely to affect RNA splicing. In summary, the available evidence is currently insufficient to determine the role of this variant in disease. Therefore, it has been classified as a Variant of Uncertain Significance.

Ambry Genetics
Classification: Likely benign for Familial thoracic aortic aneurysm and aortic dissection. Last evaluated: 2023-04-28. Review status: criteria provided, single submitter. Criteria: Ambry Variant Classification Scheme 2023. Collection method: clinical testing. Allele origin: germline.